The following is an entry in ClinVar:

NM_000059.4(BRCA2):c.6805del (p.Ile2269fs)

Gene: BRCA2 (BRCA2 DNA repair associated; plus strand). Cytogenetic location: 13q13.1.
Variant type: Deletion.
Coding change: c.6805del on transcript NM_000059.4 (MANE Select); coding-DNA position 6805, one base deleted (A; older notation c.6805delA).
Protein change: p.Ile2269fs; shifts the reading frame from isoleucine 2269.
Molecular consequence: frameshift variant. On other transcripts: non-coding transcript variant (1), intron variant (2).
Genome position (GRCh38, 1-based): chr13:32,341,160, A deleted; the last of 2 consecutive A bases (chr13:32,341,159-32,341,160); deleting either gives the same sequence. VCF-style (leftmost placement, unchanged base first): chr13-32341158-GA-G. GRCh37 (hg19) VCF-style: chr13-32915295-GA-G.
Other names: c.6805del, p.Ile2269fs (NM_001406719.1, NM_001406720.1, NM_001432077.1); c.1910-3398del (NM_001406721.1); c.425-3398del (NM_001406722.1); short protein forms I2269fs.
Identifiers: ClinVar variation 4723770 (VCV004723770.1).

ClinVar aggregate classification (germline): Pathogenic (1 of 4 stars; one submission).

Conditions:
Hereditary breast ovarian cancer syndrome. Also called: Hereditary breast and ovarian cancer syndrome; Hereditary breast and ovarian cancer syndrome (HBOC); Breast and ovarian cancer; BRCA1- and BRCA2-Associated Hereditary Breast and Ovarian Cancer; Hereditary breast and/or ovarian cancer syndrome; Hereditary breast and ovarian cancer. Identifiers: Orphanet 145, MedGen C0677776, MeSH D061325, MONDO:0003582. Disease mechanism: loss of function.

Submission:

Labcorp Genetics (formerly Invitae), Labcorp
Classification: Pathogenic for Hereditary breast ovarian cancer syndrome. Last evaluated: 2025-07-27. Review status: criteria provided, single submitter. Criteria: Invitae Variant Classification Sherloc (09022015). Collection method: clinical testing. Allele origin: germline.
Comment: This sequence change creates a premature translational stop signal (p.Ile2269Leufs*11) in the BRCA2 gene. It is expected to result in an absent or disrupted protein product. Loss-of-function variants in BRCA2 are known to be pathogenic (PMID: 20104584). This variant is not present in population databases (gnomAD no frequency). This variant has not been reported in the literature in individuals affected with BRCA2-related conditions. For these reasons, this variant has been classified as Pathogenic.

Literature cited by the submitters: PubMed 20104584.